The following is an entry in ClinVar:

NM_000260.4(MYO7A):c.3576G>A (p.Trp1192Ter)

Gene: MYO7A (myosin VIIA; plus strand). Cytogenetic location: 11q13.5.
Variant type: single nucleotide variant.
Coding change: c.3576G>A on transcript NM_000260.4 (MANE Select); coding-DNA position 3576, G replaced by A.
Protein change: p.Trp1192Ter; replaces tryptophan 1192 with a stop codon.
Molecular consequence: nonsense.
Genome position (GRCh38, 1-based): chr11:77,189,416, G>A. VCF-style: chr11-77189416-G-A. GRCh37 (hg19) VCF-style: chr11-76900461-G-A.
Other names: c.3576G>A, p.Trp1192Ter (NM_001127180.2); c.3543G>A, p.Trp1181Ter (NM_001369365.1); short protein forms W1192*, W1181*.
Identifiers: ClinVar variation 550723 (VCV000550723.14), dbSNP rs1253943370, ClinGen allele CA381946975.

ClinVar aggregate classification (germline): Pathogenic. Review status: criteria provided, multiple submitters, no conflicts (2 of 4 stars). 6 submissions from 6 submitters: Pathogenic (4). 2 of the submissions do not count toward it. Last evaluated 2025-03-11.

Conditions:
Usher syndrome type 1 (USH1). Also called: RETINITIS PIGMENTOSA AND CONGENITAL DEAFNESS. Identifiers: Orphanet 231169, Orphanet 886, MedGen C1568247, MONDO:0010168, OMIM 276900.
Autosomal recessive nonsyndromic hearing loss 2. Also called: NEUROSENSORY NONSYNDROMIC RECESSIVE DEAFNESS 2; DEAFNESS, AUTOSOMAL RECESSIVE 2. Identifiers: Orphanet 90636, MedGen C1838701, MONDO:0010807, OMIM 600060.
Usher syndrome type 1B (USH1B). Also called: Usher syndrome type IB. Identifiers: MedGen C1848638, MONDO:0700087.
Autosomal dominant nonsyndromic hearing loss 11. Identifiers: Orphanet 90635, MedGen C1832475, MONDO:0011032, OMIM 601317.

Allele frequency attached by ClinVar (database versions not stated): TOPMed 0.00001.

Submissions (6):

Natera, Inc.
Classification: Pathogenic for Usher syndrome type 1B. Last evaluated: 2025-03-11. Review status: criteria provided, single submitter. Criteria: Natera Variant Classification Schema (03/2026). Collection method: clinical testing. Allele origin: germline.
Comment: The c.3576G>A variant in MYO7A is a nonsense variant predicted to introduce a stop codon at amino acid 1192. This variant is expected to result in nonsense mediated decay, truncation, or a dysfunctional protein product. This variant is rare in the general population with a frequency below the threshold expected for the associated phenotype(s). This variant has been observed in one or more individuals affected with the associated recessive disease, as either homozygous or compound heterozygous with a second variant (PMID: 31541171, 31035849, 36729443, 33608557). Given the available evidence, this variant is classified as Pathogenic.

Labcorp Genetics (formerly Invitae), Labcorp
Classification: Pathogenic. Last evaluated: 2024-02-24. Review status: criteria provided, single submitter. Criteria: Invitae Variant Classification Sherloc (09022015). Collection method: clinical testing. Allele origin: germline.
Comment: This sequence change creates a premature translational stop signal (p.Trp1192*) in the MYO7A gene. It is expected to result in an absent or disrupted protein product. Loss-of-function variants in MYO7A are known to be pathogenic (PMID: 8900236, 25404053). This variant is not present in population databases (gnomAD no frequency). This premature translational stop signal has been observed in individual(s) with Usher syndrome or deafness (PMID: 29625443, 31035849, 31541171). ClinVar contains an entry for this variant (Variation ID: 550723). For these reasons, this variant has been classified as Pathogenic.

Fulgent Genetics
Classification: Pathogenic for Usher syndrome type 1; Autosomal recessive nonsyndromic hearing loss 2; Autosomal dominant nonsyndromic hearing loss 11. Last evaluated: 2023-12-28. Review status: criteria provided, single submitter. Criteria: ACMG Guidelines, 2015. Collection method: clinical testing. Allele origin: germline.

Juno Genomics, Hangzhou Juno Genomics, Inc
Classification: Pathogenic for Autosomal dominant nonsyndromic hearing loss 11; Autosomal recessive nonsyndromic hearing loss 2; Usher syndrome type 1. Review status: criteria provided, single submitter. Criteria: ACMG Guidelines, 2015. Collection method: clinical testing. Allele origin: germline.
Comment: Absent from controls (or at extremely low frequency if recessive) in Genome Aggregation Database.;Null variant in a gene where loss of function (LOF) is a known mechanism of disease.;For recessive disorders, detected in trans with a pathogenic variant.

Genetic Testing Center for Deafness, Department of Otolaryngology Head & Neck Surgery, Institute of Otolaryngology, Chinese PLA General Hospital
Classification: Pathogenic for Autosomal recessive nonsyndromic hearing loss 2. Last evaluated: 2019-02-26. Review status: no assertion criteria provided. Collection method: case-control. Allele origin: inherited. Affected: yes. Observed: 1 variant allele. Not counted in ClinVar's aggregate classification.

Counsyl
Classification: Likely pathogenic for Usher syndrome type 1; Autosomal recessive nonsyndromic hearing loss 2. Last evaluated: 2017-02-09. Review status: no assertion criteria provided. Collection method: clinical testing. Allele origin: unknown. Not counted in ClinVar's aggregate classification.

Literature cited by the submitters: PubMed 31541171 (cited by Natera, Inc. and Labcorp Genetics (formerly Invitae), Labcorp); PubMed 31035849 (cited by Natera, Inc. and Labcorp Genetics (formerly Invitae), Labcorp); PubMed 36729443 (cited by Natera, Inc.); PubMed 33608557 (cited by Natera, Inc.); PubMed 8900236 (cited by Labcorp Genetics (formerly Invitae), Labcorp); PubMed 25404053 (cited by Labcorp Genetics (formerly Invitae), Labcorp); PubMed 29625443 (cited by Labcorp Genetics (formerly Invitae), Labcorp).